The following is an entry in ClinVar:

ClinVar aggregate classification (germline): Uncertain significance. Review status: criteria provided, multiple submitters, no conflicts (2 of 4 stars). 2 submissions from 2 submitters: Uncertain significance (2). Last evaluated 2025-07-09.

Conditions:
Hereditary cancer-predisposing syndrome. Also called: Hereditary Cancer Syndrome; Tumor predisposition; Neoplastic Syndromes, Hereditary; Hereditary neoplastic syndrome. Identifiers: Orphanet 140162, MedGen C0027672, MeSH D009386, MONDO:0015356.
Gorlin syndrome. Also called: Basal cell nevus syndrome; Nevoid Basal Cell Carcinoma Syndrome. Identifiers: Orphanet 377, MedGen C0004779, MONDO:0007187.

Allele frequency attached by ClinVar (database versions not stated): gnomAD exomes below 0.00001.
gnomAD v4.1: 3 of 1,614,230 alleles (0.00019%); highest among the groups gnomAD compares: Non-Finnish European, 0.00025%; no homozygotes.

Submissions (2):

Ambry Genetics
Classification: Uncertain significance for Hereditary cancer-predisposing syndrome. Last evaluated: 2025-07-09. Review status: criteria provided, single submitter. Criteria: Ambry Variant Classification Scheme 2023. Collection method: clinical testing. Allele origin: germline.
Comment: The p.R1423K variant (also known as c.4268G>A), located in coding exon 23 of the PTCH1 gene, results from a G to A substitution at nucleotide position 4268. The arginine at codon 1423 is replaced by lysine, an amino acid with highly similar properties. This amino acid position is conserved. In addition, the in silico prediction for this alteration is inconclusive. Based on the available evidence, the clinical significance of this variant remains unclear.

Labcorp Genetics (formerly Invitae), Labcorp
Classification: Uncertain significance for Gorlin syndrome. Last evaluated: 2023-10-30. Review status: criteria provided, single submitter. Criteria: Invitae Variant Classification Sherloc (09022015). Collection method: clinical testing. Allele origin: germline.
Comment: This sequence change replaces arginine, which is basic and polar, with lysine, which is basic and polar, at codon 1423 of the PTCH1 protein (p.Arg1423Lys). This variant is not present in population databases (gnomAD no frequency). This variant has not been reported in the literature in individuals affected with PTCH1-related conditions. Advanced modeling of protein sequence and biophysical properties (such as structural, functional, and spatial information, amino acid conservation, physicochemical variation, residue mobility, and thermodynamic stability) performed at Invitae indicates that this missense variant is not expected to disrupt PTCH1 protein function with a negative predictive value of 95%. In summary, the available evidence is currently insufficient to determine the role of this variant in disease. Therefore, it has been classified as a Variant of Uncertain Significance.

NM_000264.5(PTCH1):c.4268G>A (p.Arg1423Lys)

Gene: PTCH1 (patched 1; minus strand). Cytogenetic location: 9q22.32.
Variant type: single nucleotide variant.
Coding change: c.4268G>A on transcript NM_000264.5 (MANE Select); coding-DNA position 4268, G replaced by A.
Protein change: p.Arg1423Lys; replaces arginine 1423 with lysine.
Molecular consequence: missense variant. On other transcripts: non-coding transcript variant (1).
Genome position (GRCh38, 1-based): chr9:95,446,988, C>T on the plus strand (G>A on the coding strand, the complement: PTCH1 is on the minus strand). VCF-style: chr9-95446988-C-T. GRCh37 (hg19) VCF-style: chr9-98209270-C-T.
Other names: c.4070G>A, p.Arg1357Lys (NM_001083602.3); c.4265G>A, p.Arg1422Lys (NM_001083603.3); c.3815G>A, p.Arg1272Lys (NM_001083604.3, NM_001083605.3, NM_001083606.3 and 1 more transcripts); c.4112G>A, p.Arg1371Lys (NM_001354918.2); short protein forms R1357K, R1423K, R1272K, R1371K, R1422K.
Identifiers: ClinVar variation 2908028 (VCV002908028.4), dbSNP rs1213795569, ClinGen allele CA374109993.